The following is an entry in ClinVar:

NM_004304.5(ALK):c.2510C>T (p.Pro837Leu)

Gene: ALK (ALK receptor tyrosine kinase; minus strand). Cytogenetic location: 2p23.2.
Variant type: single nucleotide variant.
Coding change: c.2510C>T on transcript NM_004304.5 (MANE Select); coding-DNA position 2510, C replaced by T.
Protein change: p.Pro837Leu; replaces proline 837 with leucine.
Molecular consequence: missense variant.
Genome position (GRCh38, 1-based): chr2:29,232,426, G>A on the plus strand (C>T on the coding strand, the complement: ALK is on the minus strand). VCF-style: chr2-29232426-G-A. GRCh37 (hg19) VCF-style: chr2-29455292-G-A.
Other names: short protein forms P837L.
Identifiers: ClinVar variation 4843267 (VCV004843267.1).
Genomic context (GRCh38, chr2:29,232,426, plus strand): 5'-TGGAACGTGTCTGTCTTGGCCCCGTAGGCCCTGCCACCACCTCCGGCTGCAATGATCAGG[G>A]GCACCGGCACTCCATCCTTCATCTGACCAGGGGAGACATTCAGACATTGAGAAACCGAGC-3'
Protein context (NP_004295.2, residues 827-847): VFKMKDGVPV[Pro837Leu]LIIAAGGGGR

ClinVar aggregate classification (germline): Uncertain significance (1 of 4 stars; one submission).

Conditions:
Hereditary cancer-predisposing syndrome. Also called: Neoplastic Syndromes, Hereditary; Tumor predisposition; Hereditary Cancer Syndrome; Hereditary neoplastic syndrome. Identifiers: Orphanet 140162, MedGen C0027672, MeSH D009386, MONDO:0015356.

gnomAD v4.1: 2 of 1,614,256 alleles (0.00012%); highest among the groups gnomAD compares: South Asian, 0.0011%; no homozygotes.

Submission:

Ambry Genetics
Classification: Uncertain significance for Hereditary cancer-predisposing syndrome. Last evaluated: 2026-01-14. Review status: criteria provided, single submitter. Criteria: Ambry Variant Classification Scheme 2023. Collection method: clinical testing. Allele origin: germline.
Comment: The p.P837L variant (also known as c.2510C>T), located in coding exon 15 of the ALK gene, results from a C to T substitution at nucleotide position 2510. The proline at codon 837 is replaced by leucine, an amino acid with similar properties. This amino acid position is conserved. In addition, the in silico prediction for this alteration is inconclusive. Based on the available evidence, the clinical significance of this variant remains unclear.